The following is an entry in ClinVar:

NM_001457.4(FLNB):c.6317C>T (p.Pro2106Leu)

Gene: FLNB (filamin B; plus strand). Cytogenetic location: 3p14.3.
Variant type: single nucleotide variant.
Coding change: c.6317C>T on transcript NM_001457.4 (MANE Select); coding-DNA position 6317, C replaced by T.
Protein change: p.Pro2106Leu; replaces proline 2106 with leucine.
Molecular consequence: missense variant.
Genome position (GRCh38, 1-based): chr3:58,150,177, C>T. VCF-style: chr3-58150177-C-T. GRCh37 (hg19) VCF-style: chr3-58135904-C-T.
Other names: c.6410C>T, p.Pro2137Leu (NM_001164317.2); c.6284C>T, p.Pro2095Leu (NM_001164318.2); c.6245C>T, p.Pro2082Leu (NM_001164319.2); short protein forms P2082L, P2095L, P2106L, P2137L.
Identifiers: ClinVar variation 1306423 (VCV001306423.12), dbSNP rs1349150592, ClinGen allele CA353358090.

ClinVar aggregate classification (germline): Uncertain significance. Review status: criteria provided, multiple submitters, no conflicts (2 of 4 stars). 3 submissions from 3 submitters: Uncertain significance (3). Last evaluated 2023-12-18.

Conditions:
Inborn genetic diseases. Identifiers: MedGen C0950123, MeSH D030342.

Allele frequency attached by ClinVar (database versions not stated): gnomAD exomes below 0.00001; TOPMed 0.00001.

Submissions (3):

Ambry Genetics
Classification: Uncertain significance for Inborn genetic diseases. Last evaluated: 2023-12-18. Review status: criteria provided, single submitter. Criteria: Ambry Variant Classification Scheme 2023. Collection method: clinical testing. Allele origin: germline.

GeneDx
Classification: Uncertain significance. Last evaluated: 2023-08-16. Review status: criteria provided, single submitter. Criteria: GeneDx Variant Classification Process June 2021. Collection method: clinical testing. Allele origin: germline. Affected: yes.
Comment: Not observed at significant frequency in large population cohorts (gnomAD); In silico analysis supports that this missense variant has a deleterious effect on protein structure/function; Has not been previously published as pathogenic or benign to our knowledge

Labcorp Genetics (formerly Invitae), Labcorp
Classification: Uncertain significance. Last evaluated: 2021-04-15. Review status: criteria provided, single submitter. Criteria: Invitae Variant Classification Sherloc (09022015). Collection method: clinical testing. Allele origin: germline.
Comment: This sequence change replaces proline with leucine at codon 2106 of the FLNB protein (p.Pro2106Leu). The proline residue is highly conserved and there is a moderate physicochemical difference between proline and leucine. In summary, the available evidence is currently insufficient to determine the role of this variant in disease. Therefore, it has been classified as a Variant of Uncertain Significance. Advanced modeling of protein sequence and biophysical properties (such as structural, functional, and spatial information, amino acid conservation, physicochemical variation, residue mobility, and thermodynamic stability) performed at Invitae indicates that this missense variant is not expected to disrupt FLNB protein function. This variant has not been reported in the literature in individuals with FLNB-related conditions. This variant is not present in population databases (ExAC no frequency).